The following is an entry in ClinVar:

ClinVar aggregate classification (germline): Uncertain significance (1 of 4 stars; one submission).

Allele frequency attached by ClinVar (database versions not stated): ExAC 0.00001; gnomAD 0.00001; gnomAD exomes 0.00001.
gnomAD v4.1: 4 of 1,613,460 alleles (0.00025%); highest among the groups gnomAD compares: South Asian, 0.0044%; no homozygotes.

Submission:

CeGaT Center for Human Genetics Tuebingen
Classification: Uncertain significance. Last evaluated: 2023-07-01. Review status: criteria provided, single submitter. Criteria: CeGaT Center For Human Genetics Tuebingen Variant Classification Criteria Version 2. Collection method: clinical testing. Allele origin: germline. Affected: yes. Observed: 1 variant allele.
Comment: SALL1: PM2:Supporting

NM_002968.3(SALL1):c.559A>G (p.Asn187Asp)

Gene: SALL1 (spalt like transcription factor 1; minus strand). Cytogenetic location: 16q12.1.
Variant type: single nucleotide variant.
Coding change: c.559A>G on transcript NM_002968.3 (MANE Select); coding-DNA position 559, A replaced by G.
Protein change: p.Asn187Asp; replaces asparagine 187 with aspartic acid.
Molecular consequence: missense variant.
Genome position (GRCh38, 1-based): chr16:51,141,663, T>C on the plus strand (A>G on the coding strand, the complement: SALL1 is on the minus strand). VCF-style: chr16-51141663-T-C. GRCh37 (hg19) VCF-style: chr16-51175574-T-C.
Other names: c.268A>G, p.Asn90Asp (NM_001127892.2); short protein forms N187D, N90D.
Identifiers: ClinVar variation 2646527 (VCV002646527.24), dbSNP rs755097071, ClinGen allele CA8053434.